The following is an entry in ClinVar:

ClinVar aggregate classification (germline): Uncertain significance. Review status: criteria provided, multiple submitters, no conflicts (2 of 4 stars). 3 submissions from 3 submitters: Uncertain significance (3). Last evaluated 2025-06-09.

Allele frequency attached by ClinVar (database versions not stated): ExAC 0.00002; gnomAD 0.00004 and 0.00005; gnomAD exomes 0.00004 and 0.00009; TOPMed 0.00007.
gnomAD v4.1: 152 of 1,598,506 alleles (0.0095%); highest among the groups gnomAD compares: Non-Finnish European, 0.012%; no homozygotes.

Submissions (3):

Labcorp Genetics (formerly Invitae), Labcorp
Classification: Uncertain significance. Last evaluated: 2025-06-09. Review status: criteria provided, single submitter. Criteria: Invitae Variant Classification Sherloc (09022015). Collection method: clinical testing. Allele origin: germline.
Comment: This sequence change replaces aspartic acid, which is acidic and polar, with asparagine, which is neutral and polar, at codon 812 of the PLEKHM2 protein (p.Asp812Asn). The frequency data for this variant in the population databases is considered unreliable, as metrics indicate poor data quality at this position in the gnomAD database. This variant has not been reported in the literature in individuals affected with PLEKHM2-related conditions. ClinVar contains an entry for this variant (Variation ID: 1055217). An algorithm developed to predict the effect of missense changes on protein structure and function (PolyPhen-2) suggests that this variant is likely to be disruptive. In summary, the available evidence is currently insufficient to determine the role of this variant in disease. Therefore, it has been classified as a Variant of Uncertain Significance.

Blueprint Genetics
Classification: Uncertain significance. Last evaluated: 2024-09-03. Review status: criteria provided, single submitter. Criteria: ACMG Guidelines, 2015. Collection method: clinical testing. Allele origin: germline.

Ambry Genetics
Classification: Uncertain significance. Last evaluated: 2023-03-20. Review status: criteria provided, single submitter. Criteria: Ambry Variant Classification Scheme 2023. Collection method: clinical testing. Allele origin: germline.

NM_015164.4(PLEKHM2):c.2434G>A (p.Asp812Asn)

Gene: PLEKHM2 (pleckstrin homology and RUN domain containing M2; plus strand). Cytogenetic location: 1p36.21.
Variant type: single nucleotide variant.
Coding change: c.2434G>A on transcript NM_015164.4 (MANE Select); coding-DNA position 2434, G replaced by A.
Protein change: p.Asp812Asn; replaces aspartic acid 812 with asparagine.
Molecular consequence: missense variant.
Genome position (GRCh38, 1-based): chr1:15,731,226, G>A. VCF-style: chr1-15731226-G-A. GRCh37 (hg19) VCF-style: chr1-16057721-G-A.
Other names: c.2434G>A (NM_015164.2); short protein forms D812N.
Identifiers: ClinVar variation 1055217 (VCV001055217.9), dbSNP rs760046299, ClinGen allele CA617246.
Genomic context (GRCh38, chr1:15,731,226, plus strand): 5'-ACTCGCCCTGTGTTGTGCCCCTGCAGCAACGGGATCCTCTACCAGTACCCGGACCGCACC[G>A]ACGTCATCCCTCTGCTCTCGGTGAACATGGGGTAAGTGTCCCGGGAGAAGCGGGTGTATC-3'
Protein context (NP_055979.2, residues 802-822): GILYQYPDRT[Asp812Asn]VIPLLSVNMG